The following is an entry in ClinVar:

NM_000368.5(TSC1):c.1033A>T (p.Thr345Ser)

Gene: TSC1 (TSC complex subunit 1; minus strand). Cytogenetic location: 9q34.13.
Variant type: single nucleotide variant.
Coding change: c.1033A>T on transcript NM_000368.5 (MANE Select); coding-DNA position 1033, A replaced by T.
Protein change: p.Thr345Ser; replaces threonine 345 with serine.
Molecular consequence: missense variant. On other transcripts: 5 prime UTR variant (2), non-coding transcript variant (5).
Genome position (GRCh38, 1-based): chr9:132,911,110, T>A on the plus strand (A>T on the coding strand, the complement: TSC1 is on the minus strand). VCF-style: chr9-132911110-T-A. GRCh37 (hg19) VCF-style: chr9-135786497-T-A.
Other names: c.-18A>T (NM_001406630.1, NM_001406629.1); c.1033A>T, p.Thr345Ser (NM_001406592.1, NM_001406593.1, NM_001406594.1 and 16 more transcripts); c.880A>T, p.Thr294Ser (NM_001406611.1, NM_001406612.1, NM_001406613.1 and 2 more transcripts); c.670A>T, p.Thr224Ser (NM_001406614.1, NM_001406615.1, NM_001406616.1 and 10 more transcripts); c.82A>T, p.Thr28Ser (NM_001406626.1, NM_001406627.1, NM_001406628.1); short protein forms T28S, T224S, T294S, T345S.
Identifiers: ClinVar variation 4192070 (VCV004192070.1).

ClinVar aggregate classification (germline): Uncertain significance (1 of 4 stars; one submission).

Conditions:
Hereditary cancer-predisposing syndrome. Also called: Neoplastic Syndromes, Hereditary; Tumor predisposition; Hereditary Cancer Syndrome; Hereditary neoplastic syndrome. Identifiers: Orphanet 140162, MedGen C0027672, MeSH D009386, MONDO:0015356.

Submission:

Ambry Genetics
Classification: Uncertain significance for Hereditary cancer-predisposing syndrome. Last evaluated: 2025-07-07. Review status: criteria provided, single submitter. Criteria: Ambry Variant Classification Scheme 2023. Collection method: clinical testing. Allele origin: germline.
Comment: The p.T345S variant (also known as c.1033A>T), located in coding exon 9 of the TSC1 gene, results from an A to T substitution at nucleotide position 1033. The threonine at codon 345 is replaced by serine, an amino acid with similar properties. This amino acid position is conserved. In addition, this alteration is predicted to be tolerated by in silico analysis. Based on the available evidence, the clinical significance of this variant remains unclear.